The following is an entry in ClinVar:

NM_000018.4(ACADVL):c.289G>A (p.Glu97Lys)

Gene: ACADVL (acyl-CoA dehydrogenase very long chain; plus strand). Cytogenetic location: 17p13.1.
Variant type: single nucleotide variant.
Coding change: c.289G>A on transcript NM_000018.4 (MANE Select); coding-DNA position 289, G replaced by A.
Protein change: p.Glu97Lys; replaces glutamic acid 97 with lysine.
Molecular consequence: missense variant.
Genome position (GRCh38, 1-based): chr17:7,220,777, G>A. VCF-style: chr17-7220777-G-A. GRCh37 (hg19) VCF-style: chr17-7124096-G-A.
Other names: c.223G>A, p.Glu75Lys (NM_001033859.3); c.358G>A, p.Glu120Lys (NM_001270447.2); c.61G>A, p.Glu21Lys (NM_001270448.2); short protein forms E21K, E97K, E120K, E75K.
Identifiers: ClinVar variation 2775797 (VCV002775797.2), dbSNP rs2071168428, ClinGen allele CA397722513.

ClinVar aggregate classification (germline): Uncertain significance (1 of 4 stars; one submission).

Conditions:
Very long chain acyl-CoA dehydrogenase deficiency (ACADVLD). Also called: VLCAD Deficiency; Very Long-Chain Acyl-Coenzyme A Dehydrogenase Deficiency. Identifiers: Orphanet 26793, MedGen C3887523, MONDO:0008723, OMIM 201475.

Allele frequency attached by ClinVar (database versions not stated): TOPMed below 0.00001; gnomAD 0.00001.
gnomAD v4.1: 1 of 1,614,038 alleles (0.000062%); highest among the groups gnomAD compares: Non-Finnish European, 0.000085%; no homozygotes.

Submission:

Labcorp Genetics (formerly Invitae), Labcorp
Classification: Uncertain significance for Very long chain acyl-CoA dehydrogenase deficiency. Last evaluated: 2022-12-05. Review status: criteria provided, single submitter. Criteria: Invitae Variant Classification Sherloc (09022015). Collection method: clinical testing. Allele origin: germline.
Comment: This sequence change replaces glutamic acid, which is acidic and polar, with lysine, which is basic and polar, at codon 97 of the ACADVL protein (p.Glu97Lys). This variant is not present in population databases (gnomAD no frequency). This variant has not been reported in the literature in individuals affected with ACADVL-related conditions. Advanced modeling of protein sequence and biophysical properties (such as structural, functional, and spatial information, amino acid conservation, physicochemical variation, residue mobility, and thermodynamic stability) performed at Invitae indicates that this missense variant is expected to disrupt ACADVL protein function. In summary, the available evidence is currently insufficient to determine the role of this variant in disease. Therefore, it has been classified as a Variant of Uncertain Significance.